The following is an entry in ClinVar:

NM_007078.3(LDB3):c.632C>T (p.Ala211Val)

Gene: LDB3 (LIM domain binding 3; plus strand). Cytogenetic location: 10q23.2.
Variant type: single nucleotide variant.
Coding change: c.632C>T on transcript NM_007078.3 (MANE Select); coding-DNA position 632, C replaced by T.
Protein change: p.Ala211Val; replaces alanine 211 with valine.
Molecular consequence: missense variant. On other transcripts: intron variant (5).
Genome position (GRCh38, 1-based): chr10:86,681,746, C>T. VCF-style: chr10-86681746-C-T. GRCh37 (hg19) VCF-style: chr10-88441503-C-T.
Other names: c.632C>T, p.Ala211Val (NM_001080115.2, NM_001171610.2, NM_001171611.2 and 3 more transcripts); c.321+1589C>T (NM_001368068.1, NM_001368066.1, NM_001080114.2 and 2 more transcripts); short protein forms A211V.
Identifiers: ClinVar variation 1752890 (VCV001752890.2), dbSNP rs2492594283, ClinGen allele CA377455329.

ClinVar aggregate classification (germline): Uncertain significance (1 of 4 stars; one submission).

Conditions:
Cardiovascular phenotype. Identifiers: MedGen CN230736.

Submission:

Ambry Genetics
Classification: Uncertain significance for Cardiovascular phenotype. Last evaluated: 2020-05-05. Review status: criteria provided, single submitter. Criteria: Ambry Variant Classification Scheme 2023. Collection method: clinical testing. Allele origin: germline.
Comment: The p.A211V variant (also known as c.632C>T), located in coding exon 4 of the LDB3 gene, results from a C to T substitution at nucleotide position 632. The alanine at codon 211 is replaced by valine, an amino acid with similar properties. This amino acid position is highly conserved in available vertebrate species. In addition, the in silico prediction for this alteration is inconclusive. Since supporting evidence is limited at this time, the clinical significance of this alteration remains unclear.